The following is an entry in ClinVar:

ClinVar aggregate classification (germline): Uncertain significance (1 of 4 stars; one submission).

Allele frequency attached by ClinVar (database versions not stated): gnomAD 0.00003; TOPMed 0.00003.

Submission:

Labcorp Genetics (formerly Invitae), Labcorp
Classification: Uncertain significance. Last evaluated: 2024-10-24. Review status: criteria provided, single submitter. Criteria: Invitae Variant Classification Sherloc (09022015). Collection method: clinical testing. Allele origin: germline.
Comment: This sequence change replaces methionine, which is neutral and non-polar, with leucine, which is neutral and non-polar, at codon 1307 of the VPS13D protein (p.Met1307Leu). This variant is present in population databases (rs775845475, gnomAD 0.03%). This missense change has been observed in individual(s) with VPS13D-related conditions (PMID: 29604224). ClinVar contains an entry for this variant (Variation ID: 2195462). Invitae Evidence Modeling of protein sequence and biophysical properties (such as structural, functional, and spatial information, amino acid conservation, physicochemical variation, residue mobility, and thermodynamic stability) indicates that this missense variant is not expected to disrupt VPS13D protein function with a negative predictive value of 80%. In summary, the available evidence is currently insufficient to determine the role of this variant in disease. Therefore, it has been classified as a Variant of Uncertain Significance.

Literature cited by the submitters: PubMed 29604224.

NM_015378.4(VPS13D):c.3919A>C (p.Met1307Leu)

Gene: VPS13D (vacuolar protein sorting 13 homolog D; plus strand). Cytogenetic location: 1p36.22.
Variant type: single nucleotide variant.
Coding change: c.3919A>C on transcript NM_015378.4 (MANE Select); coding-DNA position 3919, A replaced by C.
Protein change: p.Met1307Leu; replaces methionine 1307 with leucine.
Molecular consequence: missense variant.
Genome position (GRCh38, 1-based): chr1:12,277,507, A>C. VCF-style: chr1-12277507-A-C. GRCh37 (hg19) VCF-style: chr1-12337564-A-C.
Other names: c.3919A>C, p.Met1307Leu (NM_018156.4); short protein forms M1307L.
Identifiers: ClinVar variation 2195462 (VCV002195462.3), dbSNP rs775845475, ClinGen allele CA602039.